The following is an entry in ClinVar:

ClinVar aggregate classification (germline): Conflicting classifications of pathogenicity. Review status: criteria provided, conflicting classifications (1 of 4 stars). 4 submissions from 4 submitters: Uncertain significance (1); Likely benign (3). Last evaluated 2025-10-20.

Conditions:
Schuurs-Hoeijmakers syndrome. Also called: PACS1-Related Neurodevelopmental Disorder. Identifiers: Orphanet 329224, MedGen C3554343, MONDO:0014006, OMIM 615009.
Inborn genetic diseases. Identifiers: MedGen C0950123, MeSH D030342.

Allele frequency attached by ClinVar (database versions not stated): gnomAD exomes 0.00005; ExAC 0.00008; gnomAD 0.00011; TOPMed 0.00014; ESP Exome Variant Server 0.00015.
gnomAD v4.1: 88 of 1,613,948 alleles (0.0055%); highest among the groups gnomAD compares: African/African-American, 0.039%; no homozygotes.

Submissions (4):

Labcorp Genetics (formerly Invitae), Labcorp
Classification: Uncertain significance for Schuurs-Hoeijmakers syndrome. Last evaluated: 2025-10-20. Review status: criteria provided, single submitter. Criteria: Invitae Variant Classification Sherloc (09022015). Collection method: clinical testing. Allele origin: germline.
Comment: This sequence change replaces threonine, which is neutral and polar, with methionine, which is neutral and non-polar, at codon 471 of the PACS1 protein (p.Thr471Met). This variant is present in population databases (rs148237222, gnomAD 0.04%), and has an allele count higher than expected for a pathogenic variant. This variant has not been reported in the literature in individuals affected with PACS1-related conditions. ClinVar contains an entry for this variant (Variation ID: 1201378). Invitae Evidence Modeling of protein sequence and biophysical properties (such as structural, functional, and spatial information, amino acid conservation, physicochemical variation, residue mobility, and thermodynamic stability) indicates that this missense variant is not expected to disrupt PACS1 protein function with a negative predictive value of 80%. In summary, the available evidence is currently insufficient to determine the role of this variant in disease. Therefore, it has been classified as a Variant of Uncertain Significance.

Blueprint Genetics
Classification: Likely benign. Last evaluated: 2024-11-07. Review status: criteria provided, single submitter. Criteria: ACMG Guidelines, 2015. Collection method: clinical testing. Allele origin: germline.

Ambry Genetics
Classification: Likely benign for Inborn genetic diseases. Last evaluated: 2024-10-04. Review status: criteria provided, single submitter. Criteria: Ambry Variant Classification Scheme 2023. Collection method: clinical testing. Allele origin: germline.

GeneDx
Classification: Likely benign. Last evaluated: 2020-04-20. Review status: criteria provided, single submitter. Criteria: GeneDx Variant Classification Process June 2021. Collection method: clinical testing. Allele origin: germline. Affected: yes.

NM_018026.4(PACS1):c.1412C>T (p.Thr471Met)

Gene: PACS1 (phosphofurin acidic cluster sorting protein 1; plus strand). Cytogenetic location: 11q13.2.
Variant type: single nucleotide variant.
Coding change: c.1412C>T on transcript NM_018026.4 (MANE Select); coding-DNA position 1412, C replaced by T.
Protein change: p.Thr471Met; replaces threonine 471 with methionine.
Molecular consequence: missense variant.
Genome position (GRCh38, 1-based): chr11:66,230,585, C>T. VCF-style: chr11-66230585-C-T. GRCh37 (hg19) VCF-style: chr11-65998056-C-T.
Other names: c.1412C>T (NM_018026.2); short protein forms T471M.
Identifiers: ClinVar variation 1201378 (VCV001201378.10), dbSNP rs148237222, ClinGen allele CA6116564.